The following is an entry in ClinVar:

ClinVar aggregate classification (germline): Pathogenic (1 of 4 stars; one submission).

Submission:

Centre of Medical Genetics, University Hospital Muenster
Classification: Pathogenic. Last evaluated: 2021-12-08. Review status: criteria provided, single submitter. Criteria: ACMG Guidelines, 2015. Collection method: clinical testing. Allele origin: de novo. Affected: yes. Observed: 1 variant allele, 1 heterozygote.
Comment: ACMG categories: PVS1,PS2,PM2,PP4

NM_001080517.3(SETD5):c.1029del (p.Phe343fs)

Gene: SETD5 (SET domain containing 5; plus strand). Cytogenetic location: 3p25.3.
Variant type: Deletion.
Coding change: c.1029del on transcript NM_001080517.3 (MANE Select); coding-DNA position 1029, one base deleted (C; older notation c.1029delC).
Protein change: p.Phe343fs; shifts the reading frame from phenylalanine 343.
Molecular consequence: frameshift variant.
Genome position (GRCh38, 1-based): chr3:9,442,197, C deleted. VCF-style (leftmost placement, unchanged base first): chr3-9442196-TC-T. GRCh37 (hg19) VCF-style: chr3-9483880-TC-T.
Other names: c.735del, p.Phe245fs (NM_001292043.2, NM_001349451.2); short protein forms F245fs, F343fs.
Identifiers: ClinVar variation 1708298 (VCV001708298.3), dbSNP rs2472724789, ClinGen allele CA2580070606.